The following is an entry in ClinVar:

ClinVar aggregate classification (germline): Benign (1 of 4 stars; one submission).

Allele frequency attached by ClinVar (database versions not stated): 1000 Genomes Project 0.38658; 1000 Genomes Project 30x 0.39288; gnomAD 0.52093 and 0.53121; TOPMed 0.52783.
gnomAD v4.1: 79,222 of 151,516 alleles (52%); highest among the groups gnomAD compares: Non-Finnish European, 63%; 21,948 homozygotes.

Submission:

GeneDx
Classification: Benign. Last evaluated: 2018-06-14. Review status: criteria provided, single submitter. Criteria: GeneDx Variant Classification (06012015). Collection method: clinical testing. Allele origin: germline. Affected: yes.
Comment: This variant is considered likely benign or benign based on one or more of the following criteria: it is a conservative change, it occurs at a poorly conserved position in the protein, it is predicted to be benign by multiple in silico algorithms, and/or has population frequency not consistent with disease.

NM_006073.4(TRDN):c.1472-269G>A

Gene: TRDN (triadin; minus strand). Cytogenetic location: 6q22.31.
Variant type: single nucleotide variant.
Coding change: c.1472-269G>A on transcript NM_006073.4 (MANE Select); 269 bases into the intron before coding-DNA position 1472, G replaced by A.
Molecular consequence: intron variant.
Genome position (GRCh38, 1-based): chr6:123,316,764, C>T on the plus strand (G>A on the coding strand, the complement: TRDN is on the minus strand). VCF-style: chr6-123316764-C-T. GRCh37 (hg19) VCF-style: chr6-123637909-C-T.
Identifiers: ClinVar variation 680815 (VCV000680815.1), dbSNP rs6903274, ClinGen allele CA16278836.